The following is an entry in ClinVar:

ClinVar aggregate classification (germline): Likely pathogenic. Review status: criteria provided, multiple submitters, no conflicts (2 of 4 stars). 2 submissions from 2 submitters: Likely pathogenic (2). Last evaluated 2022-03-03.

Conditions:
POMGNT1-related disorder. Also called: POMGNT1-related condition; POMGNT1-related disorders. Identifiers: MedGen CN239299.
Muscular dystrophy-dystroglycanopathy (congenital with impaired intellectual development), type B, 3. Also called: MUSCULAR DYSTROPHY, CONGENITAL, POMGNT1-RELATED; Muscular dystrophy-dystroglycanopathy (congenital with intellectual disability), type B3. Identifiers: MedGen C3150412, MONDO:0013155, OMIM 613151.
Autosomal recessive limb-girdle muscular dystrophy type 2O. Also called: MUSCULAR DYSTROPHY-DYSTROGLYCANOPATHY (LIMB-GIRDLE), TYPE C, 3; Limb-Girdle Muscular Dystrophy Type 3C; MUSCULAR DYSTROPHY-DYSTROGLYCANOPATHY, LIMB-GIRDLE, POMGNT1-RELATED. Identifiers: Orphanet 206564, MedGen C3150417, MONDO:0013161, OMIM 613157.

Allele frequency attached by ClinVar (database versions not stated): gnomAD exomes below 0.00001; TOPMed below 0.00001; gnomAD 0.00001.
gnomAD v4.1: 2 of 1,613,492 alleles (0.00012%); highest among the groups gnomAD compares: African/African-American, 0.0013%; no homozygotes.

Submissions (2):

Labcorp Genetics (formerly Invitae), Labcorp
Classification: Likely pathogenic for Autosomal recessive limb-girdle muscular dystrophy type 2O; Muscular dystrophy-dystroglycanopathy (congenital with impaired intellectual development), type B, 3. Last evaluated: 2022-03-03. Review status: criteria provided, single submitter. Criteria: Invitae Variant Classification Sherloc (09022015). Collection method: clinical testing. Allele origin: germline.
Comment: In summary, the currently available evidence indicates that the variant is pathogenic, but additional data are needed to prove that conclusively. Therefore, this variant has been classified as Likely Pathogenic. Algorithms developed to predict the effect of sequence changes on RNA splicing suggest that this variant may disrupt the consensus splice site. This variant has not been reported in the literature in individuals affected with POMGNT1-related conditions. This variant is not present in population databases (gnomAD no frequency). This sequence change affects a donor splice site in intron 8 of the POMGNT1 gene. It is expected to disrupt RNA splicing. Variants that disrupt the donor or acceptor splice site typically lead to a loss of protein function (PMID: 16199547), and loss-of-function variants in POMGNT1 are known to be pathogenic (PMID: 19299310, 20816175, 21447391, 26908613, 27391550).

Blueprint Genetics
Classification: Likely pathogenic for POMGNT1-related disorders. Last evaluated: 2021-12-01. Review status: criteria provided, single submitter. Criteria: ACMG Guidelines, 2015. Collection method: clinical testing. Allele origin: germline. Affected: yes. Observed: 2 variant alleles.

Literature cited by the submitters: PubMed 16199547 (cited by Labcorp Genetics (formerly Invitae), Labcorp); PubMed 19299310 (cited by Labcorp Genetics (formerly Invitae), Labcorp); PubMed 20816175 (cited by Labcorp Genetics (formerly Invitae), Labcorp); PubMed 21447391 (cited by Labcorp Genetics (formerly Invitae), Labcorp); PubMed 26908613 (cited by Labcorp Genetics (formerly Invitae), Labcorp); PubMed 27391550 (cited by Labcorp Genetics (formerly Invitae), Labcorp).

NM_017739.4(POMGNT1):c.751+2T>G

Genes: POMGNT1 (protein O-linked mannose N-acetylglucosaminyltransferase 1 (beta 1,2-); minus strand), TSPAN1 (tetraspanin 1; plus strand). Cytogenetic location: 1p34.1.
Variant type: single nucleotide variant.
Coding change: c.751+2T>G on transcript NM_017739.4 (MANE Select); the canonical splice donor site of the intron after coding-DNA position 751, T replaced by G.
Molecular consequence: splice donor variant.
Genome position (GRCh38, 1-based): chr1:46,194,551, A>C on the plus strand (T>G on the coding strand, the complement: POMGNT1 is on the minus strand). VCF-style: chr1-46194551-A-C. GRCh37 (hg19) VCF-style: chr1-46660223-A-C.
Other names: c.751+2T>G (NM_001243766.2, NM_001438686.1, NM_001438688.1 and 3 more transcripts); c.685+2T>G (NM_001290129.3, NM_001438691.1, NM_001438692.1); c.322+2T>G (NM_001290130.2).
Identifiers: ClinVar variation 1906114 (VCV001906114.6), dbSNP rs1658064113, ClinGen allele CA340183654.